The following is an entry in ClinVar:

ClinVar aggregate classification (germline): Pathogenic (1 of 4 stars; one submission).

Submission:

Labcorp Genetics (formerly Invitae), Labcorp
Classification: Pathogenic. Last evaluated: 2022-09-19. Review status: criteria provided, single submitter. Criteria: Invitae Variant Classification Sherloc (09022015). Collection method: clinical testing. Allele origin: germline.
Comment: For these reasons, this variant has been classified as Pathogenic. ClinVar contains an entry for this variant (Variation ID: 1422911). This variant has not been reported in the literature in individuals affected with MYO18B-related conditions. This variant is not present in population databases (gnomAD no frequency). This sequence change creates a premature translational stop signal (p.Ser1545*) in the MYO18B gene. It is expected to result in an absent or disrupted protein product. Loss-of-function variants in MYO18B are known to be pathogenic (PMID: 25748484, 32184166, 32637634).

Literature cited by the submitters: PubMed 25748484; PubMed 32184166; PubMed 32637634.

NM_032608.7(MYO18B):c.4634C>A (p.Ser1545Ter)

Genes: MYO18B (myosin XVIIIB; plus strand), MYO18B-AS1 (MYO18B antisense RNA 1; minus strand). Cytogenetic location: 22q12.1.
Variant type: single nucleotide variant.
Coding change: c.4634C>A on transcript NM_032608.7 (MANE Select); coding-DNA position 4634, C replaced by A.
Protein change: p.Ser1545Ter; replaces serine 1545 with a stop codon.
Molecular consequence: nonsense.
Genome position (GRCh38, 1-based): chr22:25,895,246, C>A. VCF-style: chr22-25895246-C-A. GRCh37 (hg19) VCF-style: chr22-26291213-C-A.
Other names: c.4637C>A, p.Ser1546Ter (NM_001318245.2); short protein forms S1546*, S1545*.
Identifiers: ClinVar variation 1422911 (VCV001422911.6), dbSNP rs537916951, ClinGen allele CA411010246.